The following is an entry in ClinVar:

ClinVar aggregate classification (germline): Uncertain significance (1 of 4 stars; one submission).

Conditions:
Autosomal recessive limb-girdle muscular dystrophy type R18 (LGMDR18). Also called: Limb-girdle muscular dystrophy, type 2S; Autosomal recessive limb-girdle muscular dystrophy type 2S; MUSCULAR DYSTROPHY, LIMB-GIRDLE, AUTOSOMAL RECESSIVE 18. Identifiers: Orphanet 369840, MedGen C4517996, MONDO:0014144, OMIM 615356.

Submission:

Labcorp Genetics (formerly Invitae), Labcorp
Classification: Uncertain significance for Autosomal recessive limb-girdle muscular dystrophy type R18. Last evaluated: 2022-01-17. Review status: criteria provided, single submitter. Criteria: Invitae Variant Classification Sherloc (09022015). Collection method: clinical testing. Allele origin: germline.
Comment: In summary, the available evidence is currently insufficient to determine the role of this variant in disease. Therefore, it has been classified as a Variant of Uncertain Significance. Algorithms developed to predict the effect of missense changes on protein structure and function (SIFT, PolyPhen-2, Align-GVGD) all suggest that this variant is likely to be tolerated. This variant has not been reported in the literature in individuals affected with TRAPPC11-related conditions. This variant is present in population databases (no rsID available, gnomAD 0.003%). This sequence change replaces valine, which is neutral and non-polar, with leucine, which is neutral and non-polar, at codon 558 of the TRAPPC11 protein (p.Val558Leu).

NM_021942.6(TRAPPC11):c.1672G>C (p.Val558Leu)

Gene: TRAPPC11 (trafficking protein particle complex subunit 11; plus strand). Cytogenetic location: 4q35.1.
Variant type: single nucleotide variant.
Coding change: c.1672G>C on transcript NM_021942.6 (MANE Select); coding-DNA position 1672, G replaced by C.
Protein change: p.Val558Leu; replaces valine 558 with leucine.
Molecular consequence: missense variant.
Genome position (GRCh38, 1-based): chr4:183,685,313, G>C. VCF-style: chr4-183685313-G-C. GRCh37 (hg19) VCF-style: chr4-184606466-G-C.
Other names: c.1672G>C, p.Val558Leu (NM_199053.3); short protein forms V558L.
Identifiers: ClinVar variation 1461251 (VCV001461251.8), dbSNP rs1162377602, ClinGen allele CA358868254.